The following is an entry in ClinVar:

NM_001372106.1(DNAH10):c.8743G>A (p.Gly2915Ser)

Gene: DNAH10 (dynein axonemal heavy chain 10; plus strand). Cytogenetic location: 12q24.31.
Variant type: single nucleotide variant.
Coding change: c.8743G>A on transcript NM_001372106.1 (MANE Select); coding-DNA position 8743, G replaced by A.
Protein change: p.Gly2915Ser; replaces glycine 2915 with serine.
Molecular consequence: missense variant.
Genome position (GRCh38, 1-based): chr12:123,881,733, G>A. VCF-style: chr12-123881733-G-A. GRCh37 (hg19) VCF-style: chr12-124366280-G-A.
Other names: c.8389G>A, p.Gly2797Ser (NM_207437.3); short protein forms G2915S, G2797S.
Identifiers: ClinVar variation 4241981 (VCV004241981.3).

ClinVar aggregate classification (germline): Uncertain significance. Review status: criteria provided, multiple submitters, no conflicts (2 of 4 stars). 2 submissions from 2 submitters: Uncertain significance (2). Last evaluated 2025-08-30.

Conditions:
Spermatogenic failure 56. Identifiers: MedGen C5561978, MONDO:0030430, OMIM 619515.

gnomAD v4.1: 20 of 1,547,752 alleles (0.0013%); highest among the groups gnomAD compares: African/African-American, 0.0055%; no homozygotes.

Submissions (2):

Ambry Genetics
Classification: Uncertain significance. Last evaluated: 2025-08-30. Review status: criteria provided, single submitter. Criteria: Ambry Variant Classification Scheme 2023. Collection method: clinical testing. Allele origin: germline.

Juno Genomics, Hangzhou Juno Genomics, Inc
Classification: Uncertain significance for Spermatogenic failure 56. Review status: criteria provided, single submitter. Criteria: ACMG Guidelines, 2015. Collection method: clinical testing. Allele origin: germline.
Comment: Absent from controls (or at extremely low frequency if recessive) in Genome Aggregation Database.;Missense variant in a gene that has a low rate of benign missense variation.